The following is an entry in ClinVar:

ClinVar aggregate classification (germline): Uncertain significance (1 of 4 stars; one submission).

Conditions:
Dilated cardiomyopathy 1JJ (CMD1JJ). Identifiers: Orphanet 154, MedGen C3808935, MONDO:0014095, OMIM 615235.

gnomAD v4.1: 10 of 1,612,462 alleles (0.00062%); highest among the groups gnomAD compares: Middle Eastern, 0.016%; no homozygotes.

Submission:

Labcorp Genetics (formerly Invitae), Labcorp
Classification: Uncertain significance for Dilated cardiomyopathy 1JJ. Last evaluated: 2025-05-19. Review status: criteria provided, single submitter. Criteria: Invitae Variant Classification Sherloc (09022015). Collection method: clinical testing. Allele origin: germline.
Comment: This sequence change replaces serine, which is neutral and polar, with arginine, which is basic and polar, at codon 18 of the LAMA4 protein (p.Ser18Arg). This variant is present in population databases (no rsID available, gnomAD 0.002%). This variant has not been reported in the literature in individuals affected with LAMA4-related conditions. An algorithm developed to predict the effect of missense changes on protein structure and function (PolyPhen-2) suggests that this variant is likely to be tolerated. In summary, the available evidence is currently insufficient to determine the role of this variant in disease. Therefore, it has been classified as a Variant of Uncertain Significance.

NM_001105206.3(LAMA4):c.54C>G (p.Ser18Arg)

Genes: LAMA4 (laminin subunit alpha 4; minus strand), LAMA4-AS1 (LAMA4 antisense RNA 1; plus strand). Cytogenetic location: 6q21.
Variant type: single nucleotide variant.
Coding change: c.54C>G on transcript NM_001105206.3 (MANE Select); coding-DNA position 54, C replaced by G.
Protein change: p.Ser18Arg; replaces serine 18 with arginine.
Molecular consequence: missense variant.
Genome position (GRCh38, 1-based): chr6:112,254,097, G>C on the plus strand (C>G on the coding strand, the complement: LAMA4 is on the minus strand). VCF-style: chr6-112254097-G-C. GRCh37 (hg19) VCF-style: chr6-112575299-G-C.
Other names: c.54C>G, p.Ser18Arg (NM_001105207.3, NM_001105208.3, NM_001105209.3 and 1 more transcripts); short protein forms S18R.
Identifiers: ClinVar variation 4738799 (VCV004738799.1).
Genomic context (GRCh38, chr6:112,254,097, plus strand): 5'-CCCTTCAATGTCAAAAGGAAAAGCGTTGTCGTCCCCGGACGCGGCGCGGGAGCAGGCAGC[G>C]CTCCAGAGGAGCCACAGAGGCAGAACCGAGCGCCAGGCTGAGCTCAAAGCCATTTCTCCG-3'
Protein context (NP_001098676.2, residues 8-28): RSVLPLWLLW[Ser18Arg]AACSRAASGD